The following is an entry in ClinVar:

NM_015346.4(ZFYVE26):c.175del (p.Val59fs)

Gene: ZFYVE26 (zinc finger FYVE-type containing 26; minus strand). Cytogenetic location: 14q24.1.
Variant type: Deletion.
Coding change: c.175del on transcript NM_015346.4 (MANE Select); coding-DNA position 175, one base deleted (G; older notation c.175delG).
Protein change: p.Val59fs; shifts the reading frame from valine 59.
Molecular consequence: frameshift variant.
Genome position (GRCh38, 1-based): chr14:67,815,789, C deleted on the plus strand (G on the coding strand, the reverse complement: ZFYVE26 is on the minus strand); the first of 2 consecutive C bases (chr14:67,815,789-67,815,790); deleting either gives the same sequence. VCF-style (leftmost placement, unchanged base first): chr14-67815788-AC-A. GRCh37 (hg19) VCF-style: chr14-68282505-AC-A.
Other names: c.175delG (NM_015346.4); short protein forms V59fs.
Identifiers: ClinVar variation 1180643 (VCV001180643.2), dbSNP rs2140260770, ClinGen allele CA2573053941.

ClinVar aggregate classification (germline): Pathogenic/Likely pathogenic. Review status: criteria provided, multiple submitters, no conflicts (2 of 4 stars). 2 submissions from 2 submitters: Pathogenic (1); Likely pathogenic (1). Last evaluated 2026-03-06.

Conditions:
Abnormal central motor function. Identifiers: MedGen C4023354, HP:0011442.
Hereditary spastic paraplegia 15 (SPG15). Also called: SPASTIC PARAPLEGIA 15, AUTOSOMAL RECESSIVE; KJELLIN SYNDROME; SPASTIC PARAPLEGIA AND RETINAL DEGENERATION. Identifiers: Orphanet 100996, MedGen C1849128, MONDO:0010044, OMIM 270700.

Submissions (2):

Myriad Genetics, Inc.
Classification: Pathogenic for Hereditary spastic paraplegia 15. Last evaluated: 2026-03-06. Review status: criteria provided, single submitter. Criteria: Myriad Autosomal Dominant, Autosomal Recessive and X-Linked Classification Criteria (2023). Collection method: clinical testing. Allele origin: unknown.
Comment: NM_015346.3(ZFYVE26):c.175delG(V59Cfs*6) is expected to be pathogenic in the context of spastic paraplegia type 15. This variant is predicted to lead to an abnormal or absent protein product due to the creation of a premature termination codon in ZFYVE26, a gene where loss-of-function variants are known to be pathogenic. Please note: this variant was assessed in the context of healthy population screening.

Kariminejad - Najmabadi Pathology & Genetics Center
Classification: Likely pathogenic for Abnormal central motor function. Last evaluated: 2021-07-10. Review status: criteria provided, single submitter. Criteria: ACMG Guidelines, 2015. Collection method: clinical testing. Allele origin: germline. Affected: yes.